The following is an entry in ClinVar:

NM_000551.4(VHL):c.526A>G (p.Arg176Gly)

Genes: VHL (von Hippel-Lindau tumor suppressor; plus strand), LOC107303340 (3p25 von Hippel-Lindau tumor suppressor, E3 ubiquitin protein ligase Alu-mediated recombination region; plus strand). Cytogenetic location: 3p25.3.
Variant type: single nucleotide variant.
Coding change: c.526A>G on transcript NM_000551.4 (MANE Select); coding-DNA position 526, A replaced by G.
Protein change: p.Arg176Gly; replaces arginine 176 with glycine.
Molecular consequence: missense variant. On other transcripts: 3 prime UTR variant (1).
Genome position (GRCh38, 1-based): chr3:10,149,849, A>G. VCF-style: chr3-10149849-A-G. GRCh37 (hg19) VCF-style: chr3-10191533-A-G.
Other names: c.*80A>G (NM_001354723.2); c.403A>G, p.Arg135Gly (NM_198156.3); short protein forms R135G, R176G.
Identifiers: ClinVar variation 645385 (VCV000645385.13), dbSNP rs1575932259, ClinGen allele CA351756232.

ClinVar aggregate classification (germline): Uncertain significance. Review status: criteria provided, multiple submitters, no conflicts (2 of 4 stars). 3 submissions from 3 submitters: Uncertain significance (3). Last evaluated 2025-08-04.

Conditions:
Chuvash polycythemia. Also called: POLYCYTHEMIA, VHL-DEPENDENT. Identifiers: Orphanet 238557, MedGen C1837915, MONDO:0009892, OMIM 263400.
Von Hippel-Lindau syndrome (VHLS). Also called: Von Hippel-Lindau; von Hippel–Lindau syndrome; VHL syndrome. Identifiers: Orphanet 892, MedGen C0019562, MONDO:0008667, OMIM 193300. Disease mechanism: loss of function.
Hereditary cancer-predisposing syndrome. Also called: Hereditary Cancer Syndrome; Hereditary neoplastic syndrome; Tumor predisposition; Neoplastic Syndromes, Hereditary. Identifiers: Orphanet 140162, MedGen C0027672, MeSH D009386, MONDO:0015356.

Allele frequency attached by ClinVar (database versions not stated): gnomAD 0.00002; TOPMed below 0.00001.
gnomAD v4.1: 3 of 1,614,108 alleles (0.00019%); highest among the groups gnomAD compares: African/African-American, 0.004%; no homozygotes.

Submissions (3):

Dasa
Classification: Uncertain significance. Last evaluated: 2025-08-04. Review status: criteria provided, single submitter. Criteria: DASA Assertion Criteria. Collection method: clinical testing. Allele origin: germline.
Comment: NM_000551.4(VHL):c.526A>G (p.Arg176Gly) is a missense variant that results in the substitution of arginine with glycine. This variant is rare in population databases. Computational prediction algorithms are consistent with a deleterious effect. The currently available literature and clinical evidence are not sufficient to establish a definitive association between this variant and the reported condition. Therefore, this variant is classified as a variant of uncertain significance.

Ambry Genetics
Classification: Uncertain significance for Hereditary cancer-predisposing syndrome. Last evaluated: 2025-05-07. Review status: criteria provided, single submitter. Criteria: Ambry Variant Classification Scheme 2023. Collection method: clinical testing. Allele origin: germline.
Comment: The p.R176G variant (also known as c.526A>G), located in coding exon 3 of the VHL gene, results from an A to G substitution at nucleotide position 526. The arginine at codon 176 is replaced by glycine, an amino acid with dissimilar properties. This variant was determined to be functionally neutral in one saturation genome editing assay (Buckley M et al. Nat Genet, 2024 Jul;56:1446-1455). This amino acid position is highly conserved in available vertebrate species. In addition, this alteration is predicted to be deleterious by in silico analysis. Based on the available evidence, the clinical significance of this variant remains unclear.

Labcorp Genetics (formerly Invitae), Labcorp
Classification: Uncertain significance for Von Hippel-Lindau syndrome; Chuvash polycythemia. Last evaluated: 2024-12-18. Review status: criteria provided, single submitter. Criteria: Invitae Variant Classification Sherloc (09022015). Collection method: clinical testing. Allele origin: germline.
Comment: This sequence change replaces arginine, which is basic and polar, with glycine, which is neutral and non-polar, at codon 176 of the VHL protein (p.Arg176Gly). This variant is not present in population databases (gnomAD no frequency). This variant has not been reported in the literature in individuals affected with VHL-related conditions. ClinVar contains an entry for this variant (Variation ID: 645385). Invitae Evidence Modeling of protein sequence and biophysical properties (such as structural, functional, and spatial information, amino acid conservation, physicochemical variation, residue mobility, and thermodynamic stability) indicates that this missense variant is expected to disrupt VHL protein function with a positive predictive value of 95%. In summary, the available evidence is currently insufficient to determine the role of this variant in disease. Therefore, it has been classified as a Variant of Uncertain Significance.

Literature cited by the submitters: PubMed 38969834 (cited by Ambry Genetics).